The following is an entry in ClinVar:

ClinVar aggregate classification (germline): Uncertain significance. Review status: criteria provided, multiple submitters, no conflicts (2 of 4 stars). 3 submissions from 3 submitters: Uncertain significance (3). Last evaluated 2025-12-24.

Conditions:
Methylmalonic acidemia due to transcobalamin receptor defect (MATR). Also called: METHYLMALONIC ACIDURIA, TRANSIENT, DUE TO TRANSCOBALAMIN RECEPTOR DEFECT; METHYLMALONIC ACIDEMIA, TCblR TYPE. Identifiers: Orphanet 280183, MedGen C4749905, MONDO:0013341, OMIM 613646.

Allele frequency attached by ClinVar (database versions not stated): ESP Exome Variant Server 0.00008; ExAC 0.00019; 1000 Genomes Project 30x 0.00031; 1000 Genomes Project 0.00040.
gnomAD v4.1: 139 of 1,594,194 alleles (0.0087%); highest among the groups gnomAD compares: Non-Finnish European, 0.0066%; no homozygotes.

Submissions (3):

Labcorp Genetics (formerly Invitae), Labcorp
Classification: Uncertain significance for Methylmalonic acidemia due to transcobalamin receptor defect. Last evaluated: 2025-12-24. Review status: criteria provided, single submitter. Criteria: Invitae Variant Classification Sherloc (09022015). Collection method: clinical testing. Allele origin: germline.
Comment: This sequence change replaces arginine, which is basic and polar, with serine, which is neutral and polar, at codon 138 of the CD320 protein (p.Arg138Ser). This variant is present in population databases (rs201166605, gnomAD 0.05%). This variant has not been reported in the literature in individuals affected with CD320-related conditions. ClinVar contains an entry for this variant (Variation ID: 1054168). An algorithm developed to predict the effect of missense changes on protein structure and function (PolyPhen-2) suggests that this variant is likely to be disruptive. In summary, the available evidence is currently insufficient to determine the role of this variant in disease. Therefore, it has been classified as a Variant of Uncertain Significance.

Ambry Genetics
Classification: Uncertain significance. Last evaluated: 2025-10-07. Review status: criteria provided, single submitter. Criteria: Ambry Variant Classification Scheme 2023. Collection method: clinical testing. Allele origin: germline.

Revvity Omics, Revvity
Classification: Uncertain significance for Methylmalonic acidemia due to transcobalamin receptor defect. Last evaluated: 2022-09-26. Review status: criteria provided, single submitter. Criteria: ACMG Guidelines, 2015. Collection method: clinical testing. Allele origin: germline.

NM_016579.4(CD320):c.412C>A (p.Arg138Ser)

Gene: CD320 (CD320 molecule; minus strand). Cytogenetic location: 19p13.2.
Variant type: single nucleotide variant.
Coding change: c.412C>A on transcript NM_016579.4 (MANE Select); coding-DNA position 412, C replaced by A.
Protein change: p.Arg138Ser; replaces arginine 138 with serine.
Molecular consequence: missense variant.
Genome position (GRCh38, 1-based): chr19:8,303,945, G>T on the plus strand (C>A on the coding strand, the complement: CD320 is on the minus strand). VCF-style: chr19-8303945-G-T. GRCh37 (hg19) VCF-style: chr19-8368829-G-T.
Other names: c.286C>A, p.Arg96Ser (NM_001165895.2); c.412C>A (NM_016579.3); short protein forms R138S, R96S.
Identifiers: ClinVar variation 1054168 (VCV001054168.10), dbSNP rs201166605, ClinGen allele CA9154745.